The following is an entry in ClinVar:

NM_001943.5(DSG2):c.2269A>T (p.Met757Leu)

Genes: DSG2 (desmoglein 2; plus strand), DSG2-AS1 (DSG2 antisense RNA 1; minus strand). Cytogenetic location: 18q12.1.
Variant type: single nucleotide variant.
Coding change: c.2269A>T on transcript NM_001943.5 (MANE Select); coding-DNA position 2269, A replaced by T.
Protein change: p.Met757Leu; replaces methionine 757 with leucine.
Molecular consequence: missense variant.
Genome position (GRCh38, 1-based): chr18:31,542,787, A>T. VCF-style: chr18-31542787-A-T. GRCh37 (hg19) VCF-style: chr18-29122750-A-T.
Other names: short protein forms M757L.
Identifiers: ClinVar variation 920182 (VCV000920182.16), dbSNP rs750010743, ClinGen allele CA045374.

ClinVar aggregate classification (germline): Uncertain significance. Review status: criteria provided, multiple submitters, no conflicts (2 of 4 stars). 4 submissions from 4 submitters: Uncertain significance (4). Last evaluated 2025-01-12.

Conditions:
Cardiovascular phenotype. Identifiers: MedGen CN230736.
Arrhythmogenic right ventricular cardiomyopathy (ARVD). Also called: Arrhythmogenic cardiomyopathy; Cardiomyopathy, ARVC; Arrhythmogenic right ventricular dysplasia; Arrhythmogenic Right Ventricular Cardiomyopathy (ARVC). Identifiers: Orphanet 247, MedGen C0349788, MeSH D019571, MONDO:0016587. Disease mechanism: loss of function. Inheritance: Various modes of inheritance.
Cardiomyopathy (CMYO). Also called: Cardiomyopathies. Identifiers: Orphanet 167848, MedGen C0878544, MONDO:0004994, HP:0001638. Inheritance: Various modes of inheritance.
Arrhythmogenic right ventricular dysplasia 10. Also called: Arrhythmogenic Right Ventricular Dysplasia/Cardiomyopathy10; ARRHYTHMOGENIC RIGHT VENTRICULAR DYSPLASIA, FAMILIAL, 10; Arrhythmogenic right ventricular dysplasia/cardiomyopathy, type 10. Identifiers: MedGen C1857777, MONDO:0012434, OMIM 610193.

Allele frequency attached by ClinVar (database versions not stated): gnomAD exomes below 0.00001; ExAC 0.00001; gnomAD 0.00001 and 0.00002; TOPMed 0.00003.
gnomAD v4.1: 11 of 1,551,596 alleles (0.00071%); highest among the groups gnomAD compares: Middle Eastern, 0.017%; no homozygotes.

Submissions (4):

Labcorp Genetics (formerly Invitae), Labcorp
Classification: Uncertain significance for Arrhythmogenic right ventricular dysplasia 10. Last evaluated: 2025-01-12. Review status: criteria provided, single submitter. Criteria: Invitae Variant Classification Sherloc (09022015). Collection method: clinical testing. Allele origin: germline.
Comment: This sequence change replaces methionine, which is neutral and non-polar, with leucine, which is neutral and non-polar, at codon 757 of the DSG2 protein (p.Met757Leu). This variant is present in population databases (rs750010743, gnomAD 0.007%). This variant has not been reported in the literature in individuals affected with DSG2-related conditions. ClinVar contains an entry for this variant (Variation ID: 920182). Invitae Evidence Modeling of protein sequence and biophysical properties (such as structural, functional, and spatial information, amino acid conservation, physicochemical variation, residue mobility, and thermodynamic stability) indicates that this missense variant is not expected to disrupt DSG2 protein function with a negative predictive value of 95%. In summary, the available evidence is currently insufficient to determine the role of this variant in disease. Therefore, it has been classified as a Variant of Uncertain Significance.

All of Us Research Program, National Institutes of Health
Classification: Uncertain significance for Arrhythmogenic right ventricular cardiomyopathy. Last evaluated: 2024-05-14. Review status: criteria provided, single submitter. Criteria: ACMG Guidelines, 2015. Collection method: clinical testing. Allele origin: germline. Inheritance: Autosomal dominant inheritance. Observed: 2 variant alleles, 2 heterozygotes.
Comment: This missense variant replaces methionine with leucine at codon 757 of the DSG2 protein. Computational prediction suggests that this variant may not impact protein structure and function (internally defined REVEL score threshold <= 0.5, PMID: 27666373). Splice site prediction tools suggest that this variant may not impact RNA splicing. To our knowledge, functional studies have not been performed for this variant. This variant has not been reported in individuals affected with cardiovascular disorders in the literature. This variant has been identified in 1/245294 chromosomes in the general population by the Genome Aggregation Database (gnomAD). The available evidence is insufficient to determine the role of this variant in disease conclusively. Therefore, this variant is classified as a Variant of Uncertain Significance.

This study involves interpretation of variants in research participants for the purpose of population health screening. Participant phenotype was not available at the time of variant classification. Additional details can be found in publication PMID: 35346344, PMCID: PMC8962531

Color Diagnostics, LLC DBA Color Health
Classification: Uncertain significance for Cardiomyopathy. Last evaluated: 2024-03-06. Review status: criteria provided, single submitter. Criteria: ACMG Guidelines, 2015. Collection method: clinical testing. Allele origin: germline.
Comment: This missense variant replaces methionine with leucine at codon 757 of the DSG2 protein. Computational prediction suggests that this variant may not impact protein structure and function (internally defined REVEL score threshold <= 0.5, PMID: 27666373). Splice site prediction tools suggest that this variant may not impact RNA splicing. To our knowledge, functional studies have not been performed for this variant. This variant has not been reported in individuals affected with cardiovascular disorders in the literature. This variant has been identified in 1/245294 chromosomes in the general population by the Genome Aggregation Database (gnomAD). The available evidence is insufficient to determine the role of this variant in disease conclusively. Therefore, this variant is classified as a Variant of Uncertain Significance.

Ambry Genetics
Classification: Uncertain significance for Cardiovascular phenotype. Last evaluated: 2021-02-24. Review status: criteria provided, single submitter. Criteria: Ambry Variant Classification Scheme 2023. Collection method: clinical testing. Allele origin: germline.
Comment: The p.M757L variant (also known as c.2269A>T), located in coding exon 14 of the DSG2 gene, results from an A to T substitution at nucleotide position 2269. The methionine at codon 757 is replaced by leucine, an amino acid with highly similar properties. This amino acid position is poorly conserved in available vertebrate species, and leucine is the reference amino acid in other vertebrate species. In addition, this alteration is predicted to be tolerated by in silico analysis. Since supporting evidence is limited at this time, the clinical significance of this alteration remains unclear.